The following is an entry in ClinVar:

ClinVar aggregate classification (germline): Likely pathogenic (1 of 4 stars; one submission).

Conditions:
Primary ciliary dyskinesia 3. Identifiers: Orphanet 244, MedGen C1837618, MONDO:0012085, OMIM 608644.

Submission:

Myriad Genetics, Inc.
Classification: Likely pathogenic for Primary ciliary dyskinesia 3. Last evaluated: 2022-03-17. Review status: criteria provided, single submitter. Criteria: Myriad Women's Health Autosomal Recessive and X-Linked Classification Criteria (2021). Collection method: clinical testing. Allele origin: unknown.
Comment: NM_001369.2(DNAH5):c.13255_13256delGA(D4419Wfs*18) is expected to be pathogenic in the context of DNAH5-related primary ciliary dyskinesia. This variant is predicted to lead to an abnormal or absent protein product due to the creation of a premature termination codon in DNAH5, a gene where loss-of-function variants are known to be pathogenic. Please note: this variant was assessed in the context of healthy population screening.

NM_001369.3(DNAH5):c.13255_13256del (p.Asp4419fs)

Gene: DNAH5 (dynein axonemal heavy chain 5; minus strand). Cytogenetic location: 5p15.2.
Variant type: Deletion.
Coding change: c.13255_13256del on transcript NM_001369.3 (MANE Select); coding-DNA positions 13255 to 13256, 2 bases deleted (GA; older notation c.13255_13256delGA).
Protein change: p.Asp4419fs; shifts the reading frame from aspartic acid 4419.
Molecular consequence: frameshift variant.
Genome position (GRCh38, 1-based): chr5:13,708,205-13,708,206, TC deleted on the plus strand (GA on the coding strand, the reverse complement: DNAH5 is on the minus strand). VCF-style (leftmost placement, unchanged base first): chr5-13708204-ATC-A. GRCh37 (hg19) VCF-style: chr5-13708313-ATC-A.
Other names: short protein forms D4419fs.
Identifiers: ClinVar variation 1725354 (VCV001725354.2), dbSNP rs2546487214, ClinGen allele CA2580071994.
Genomic context (GRCh38, chr5:13,708,204, plus strand): 5'-TCTAGCATCAAACATGCAATCCAATGCATCTCGCAGATTTTCGCTCATGATGATGGTGCC[ATC>A]AATAGCAAGTTTCAGCTCAGTGAGGGTGCTGCGGACAAGGCTGAGTACCCTTTGCATTCT-3'